The following is an entry in ClinVar:

ClinVar aggregate classification (germline): Likely benign (0 of 4 stars; one submission).

Conditions:
ARFGEF3-related disorder. Also called: ARFGEF3-related condition.

Allele frequency attached by ClinVar (database versions not stated): 1000 Genomes Project 30x 0.00016; ExAC 0.00037; ESP Exome Variant Server 0.00038; gnomAD 0.00042; TOPMed 0.00047; gnomAD exomes 0.00062.
gnomAD v4.1: 918 of 1,566,238 alleles (0.059%); highest among the groups gnomAD compares: Non-Finnish European, 0.076%; no homozygotes.

Submissions (2):

PreventionGenetics, part of Exact Sciences
Classification: Likely benign for ARFGEF3-related condition. Last evaluated: 2020-02-04. Review status: no assertion criteria provided. Collection method: clinical testing. Allele origin: germline.
Comment: This variant is classified as likely benign based on ACMG/AMP sequence variant interpretation guidelines (Richards et al. 2015 PMID: 25741868, with internal and published modifications).

Dr. Peter K. Rogan Lab, Western University
No classification provided (evidence only). Condition: Gastric cancer. Review status: no classification provided. Collection method: in vitro. Allele origin: not applicable. Functional consequence: retained intron. Not counted in ClinVar's aggregate classification.

NM_020340.5(ARFGEF3):c.2786-6C>G

Gene: ARFGEF3 (ARFGEF family member 3; plus strand). Cytogenetic location: 6q23.3.
Variant type: single nucleotide variant.
Coding change: c.2786-6C>G on transcript NM_020340.5 (MANE Select); 6 bases into the intron before coding-DNA position 2786, C replaced by G.
Molecular consequence: intron variant.
Genome position (GRCh38, 1-based): chr6:138,287,068, C>G. VCF-style: chr6-138287068-C-G. GRCh37 (hg19) VCF-style: chr6-138608205-C-G.
Other names: NC_000006.11:g.138608205C>G.
Identifiers: ClinVar variation 3052025 (VCV003052025.3), dbSNP rs200030187, ClinGen allele CA4020938.
Genomic context (GRCh38, chr6:138,287,068, plus strand): 5'-GGTTCTGCTAGGTGAATGGTTAGAGGATATACTCAGTCAAGAAGTCATTGTGTGTCTCCT[C>G]TGAAGGCGTTGCTGCTAACTGCGCCTCAGCCCTTGCCCAGATGGCAGCTGCCTCCTGTGT-3'